The following is an entry in ClinVar:

ClinVar aggregate classification (germline): Conflicting classifications of pathogenicity. Review status: criteria provided, conflicting classifications (1 of 4 stars). 4 submissions from 4 submitters: Uncertain significance (3); Likely benign (1). Last evaluated 2026-08-01.

Conditions:
PDE6A-related disorder. Also called: PDE6A-related condition.
Inborn genetic diseases. Identifiers: MedGen C0950123, MeSH D030342.

Allele frequency attached by ClinVar (database versions not stated): ExAC 0.00009; ESP Exome Variant Server 0.00015; gnomAD exomes 0.00015 and 0.00025; TOPMed 0.00015; gnomAD 0.00021 and 0.00022; 1000 Genomes Project 30x 0.00031; 1000 Genomes Project 0.00040.
gnomAD v4.1: 394 of 1,613,906 alleles (0.024%); highest among the groups gnomAD compares: Non-Finnish European, 0.031%; no homozygotes.

Submissions (4):

PreventionGenetics, part of Exact Sciences
Classification: Uncertain significance for PDE6A-related condition. Last evaluated: 2026-08-01. Review status: criteria provided, single submitter. Criteria: ACMG Guidelines, 2015. Collection method: clinical testing. Allele origin: germline.
Comment: The PDE6A c.1534C>T variant is predicted to result in the amino acid substitution p.Pro512Ser. To our knowledge, this variant has not been reported in the literature. This variant is reported in 0.029% of alleles in individuals of European (Non-Finnish) descent in gnomAD. At this time, the clinical significance of this variant is uncertain due to the absence of conclusive functional and genetic evidence.

Ambry Genetics
Classification: Uncertain significance for Inborn genetic diseases. Last evaluated: 2025-08-28. Review status: criteria provided, single submitter. Criteria: Ambry Variant Classification Scheme 2023. Collection method: clinical testing. Allele origin: germline.

Labcorp Genetics (formerly Invitae), Labcorp
Classification: Uncertain significance. Last evaluated: 2025-07-28. Review status: criteria provided, single submitter. Criteria: Invitae Variant Classification Sherloc (09022015). Collection method: clinical testing. Allele origin: germline.
Comment: This sequence change replaces proline, which is neutral and non-polar, with serine, which is neutral and polar, at codon 512 of the PDE6A protein (p.Pro512Ser). This variant is present in population databases (rs138002814, gnomAD 0.03%). This variant has not been reported in the literature in individuals affected with PDE6A-related conditions. ClinVar contains an entry for this variant (Variation ID: 842898). Invitae Evidence Modeling of protein sequence and biophysical properties (such as structural, functional, and spatial information, amino acid conservation, physicochemical variation, residue mobility, and thermodynamic stability) indicates that this missense variant is not expected to disrupt PDE6A protein function with a negative predictive value of 95%. In summary, the available evidence is currently insufficient to determine the role of this variant in disease. Therefore, it has been classified as a Variant of Uncertain Significance.

Blueprint Genetics
Classification: Likely benign. Last evaluated: 2024-11-06. Review status: criteria provided, single submitter. Criteria: ACMG Guidelines, 2015. Collection method: clinical testing. Allele origin: germline.

NM_000440.3(PDE6A):c.1534C>T (p.Pro512Ser)

Gene: PDE6A (phosphodiesterase 6A; minus strand). Cytogenetic location: 5q32.
Variant type: single nucleotide variant.
Coding change: c.1534C>T on transcript NM_000440.3 (MANE Select); coding-DNA position 1534, C replaced by T.
Protein change: p.Pro512Ser; replaces proline 512 with serine.
Molecular consequence: missense variant.
Genome position (GRCh38, 1-based): chr5:149,896,442, G>A on the plus strand (C>T on the coding strand, the complement: PDE6A is on the minus strand). VCF-style: chr5-149896442-G-A. GRCh37 (hg19) VCF-style: chr5-149276005-G-A.
Other names: short protein forms P512S.
Identifiers: ClinVar variation 842898 (VCV000842898.11), dbSNP rs138002814, ClinGen allele CA3504642.